The following is an entry in ClinVar:

NM_138425.4(C12orf57):c.322C>T (p.Pro108Ser)

Gene: C12orf57 (chromosome 12 open reading frame 57; plus strand). Cytogenetic location: 12p13.31.
Variant type: single nucleotide variant.
Coding change: c.322C>T on transcript NM_138425.4 (MANE Select); coding-DNA position 322, C replaced by T.
Protein change: p.Pro108Ser; replaces proline 108 with serine.
Molecular consequence: missense variant. On other transcripts: non-coding transcript variant (1).
Genome position (GRCh38, 1-based): chr12:6,945,863, C>T. VCF-style: chr12-6945863-C-T. GRCh37 (hg19) VCF-style: chr12-7055026-C-T.
Other names: c.322C>T, p.Pro108Ser (NM_001301834.1); c.283C>T, p.Pro95Ser (NM_001301836.2); c.235C>T, p.Pro79Ser (NM_001301837.2); c.217C>T, p.Pro73Ser (NM_001301838.2); short protein forms P79S, P95S, P73S, P108S.
Identifiers: ClinVar variation 954217 (VCV000954217.8), dbSNP rs782496684, ClinGen allele CA6421353.

ClinVar aggregate classification (germline): Uncertain significance (1 of 4 stars; one submission).

Conditions:
Temtamy syndrome (TEMTYS). Also called: MENTAL RETARDATION WITH OR WITHOUT CRANIOFACIAL DYSMORPHISM, OCULAR COLOBOMA, OR ABNORMAL CORPUS CALLOSUM. Identifiers: Orphanet 1777, MedGen C1857512, MONDO:0009033, OMIM 218340.

Allele frequency attached by ClinVar (database versions not stated): gnomAD exomes below 0.00001 and 0.00001; ExAC 0.00001.
gnomAD v4.1: 2 of 1,613,568 alleles (0.00012%); highest among the groups gnomAD compares: Admixed American, 0.0033%; no homozygotes.

Submission:

Labcorp Genetics (formerly Invitae), Labcorp
Classification: Uncertain significance for Temtamy syndrome. Last evaluated: 2025-05-05. Review status: criteria provided, single submitter. Criteria: Invitae Variant Classification Sherloc (09022015). Collection method: clinical testing. Allele origin: germline.
Comment: This sequence change replaces proline, which is neutral and non-polar, with serine, which is neutral and polar, at codon 108 of the C12orf57 protein (p.Pro108Ser). This variant is present in population databases (rs782496684, gnomAD 0.006%). This variant has not been reported in the literature in individuals affected with C12orf57-related conditions. ClinVar contains an entry for this variant (Variation ID: 954217). An algorithm developed to predict the effect of missense changes on protein structure and function (PolyPhen-2) suggests that this variant is likely to be disruptive. In summary, the available evidence is currently insufficient to determine the role of this variant in disease. Therefore, it has been classified as a Variant of Uncertain Significance.